The following is an entry in ClinVar:

ClinVar aggregate classification (germline): Pathogenic. Review status: reviewed by expert panel (3 of 4 stars). 8 submissions from 8 submitters: Pathogenic (1). 7 of the submissions do not count toward it. Last evaluated 2017-12-15.

Conditions:
Breast-ovarian cancer, familial, susceptibility to, 1 (BROVCA1). Also called: BRCA1 Hereditary Breast and Ovarian Cancer; OVARIAN CANCER, SUSCEPTIBILITY TO. Identifiers: Orphanet 145, MedGen C2676676, MONDO:0011450, OMIM 604370. Disease mechanism: loss of function.
Hereditary breast ovarian cancer syndrome. Also called: Breast and ovarian cancer; Hereditary breast and ovarian cancer; Hereditary breast and ovarian cancer syndrome; Hereditary breast and/or ovarian cancer syndrome; BRCA1- and BRCA2-Associated Hereditary Breast and Ovarian Cancer; Hereditary breast and ovarian cancer syndrome (HBOC). Identifiers: Orphanet 145, MedGen C0677776, MeSH D061325, MONDO:0003582. Disease mechanism: loss of function.
Hereditary cancer-predisposing syndrome. Also called: Tumor predisposition; Hereditary Cancer Syndrome; Neoplastic Syndromes, Hereditary; Hereditary neoplastic syndrome. Identifiers: Orphanet 140162, MedGen C0027672, MeSH D009386, MONDO:0015356.

Allele frequency attached by ClinVar (database versions not stated): gnomAD exomes below 0.00001.

Submissions (8):

Evidence-based Network for the Interpretation of Germline Mutant Alleles (ENIGMA)
Classification: Pathogenic for Breast-ovarian cancer, familial, susceptibility to, 1. Last evaluated: 2017-12-15. Review status: reviewed by expert panel. Criteria: ENIGMA BRCA1/2 Classification Criteria (2017-06-29). Collection method: curation. Allele origin: germline. Study: ENIGMA.
Comment: Variant allele predicted to encode a truncated non-functional protein.

Labcorp Genetics (formerly Invitae), Labcorp
Classification: Pathogenic for Hereditary breast ovarian cancer syndrome. Last evaluated: 2026-01-28. Review status: criteria provided, single submitter. Criteria: Invitae Variant Classification Sherloc (09022015). Collection method: clinical testing. Allele origin: germline. Not counted in ClinVar's aggregate classification.
Comment: This sequence change creates a premature translational stop signal (p.Tyr1666*) in the BRCA1 gene. It is expected to result in an absent or disrupted protein product. Loss-of-function variants in BRCA1 are known to be pathogenic (PMID: 20104584). This variant is not present in population databases (gnomAD no frequency). This variant has not been reported in the literature in individuals affected with BRCA1-related conditions. ClinVar contains an entry for this variant (Variation ID: 231083). For these reasons, this variant has been classified as Pathogenic.

Ambry Genetics
Classification: Pathogenic for Hereditary cancer-predisposing syndrome. Last evaluated: 2025-09-19. Review status: criteria provided, single submitter. Criteria: Ambry Variant Classification Scheme 2023. Collection method: clinical testing. Allele origin: germline. Not counted in ClinVar's aggregate classification.
Comment: The c.4997dupA pathogenic mutation, located in coding exon 15 of the BRCA1 gene, results from a duplication of A at nucleotide position 4997, causing a translational frameshift with a predicted alternate stop codon (p.Y1666*). This variant is considered to be rare based on population cohorts in the Genome Aggregation Database (gnomAD). This alteration is expected to result in loss of function by premature protein truncation or nonsense-mediated mRNA decay. As such, this alteration is interpreted as a disease-causing mutation.

Women's Health and Genetics/Laboratory Corporation of America, LabCorp
Classification: Pathogenic for Hereditary breast ovarian cancer syndrome. Last evaluated: 2023-12-18. Review status: criteria provided, single submitter. Criteria: LabCorp Variant Classification Summary - May 2015. Collection method: clinical testing. Allele origin: germline. Not counted in ClinVar's aggregate classification.
Comment: Variant summary: BRCA1 c.4997dupA (p.Tyr1666X) results in a premature termination codon, predicted to cause a truncation of the encoded protein or absence of the protein due to nonsense mediated decay, which are commonly known mechanisms for disease. Variants downstream of this position have been classified as pathogenic by our laboratory. The variant was absent in 251340 control chromosomes (gnomAD). c.4997dupA has been reported in the literature in individuals affected with Hereditary Breast And Ovarian Cancer Syndrome (example: Thuan Tran_2022). The following publication has been ascertained in the context of this evaluation (PMID: 35070997). Four submitters (including ENIGMA expert panel) have cited clinical-significance assessments for this variant to ClinVar after 2014. All submitters classified the variant as pathogenic. Based on the evidence outlined above, the variant was classified as pathogenic.

Baylor Genetics
Classification: Pathogenic for Breast-ovarian cancer, familial, susceptibility to, 1. Last evaluated: 2022-11-25. Review status: criteria provided, single submitter. Criteria: ACMG Guidelines, 2015. Collection method: clinical testing. Allele origin: unknown. Not counted in ClinVar's aggregate classification.

Laboratory for Molecular Medicine, Mass General Brigham Personalized Medicine
Classification: Pathogenic for Hereditary breast ovarian cancer syndrome. Last evaluated: 2022-11-11. Review status: criteria provided, single submitter. Criteria: ACMG Guidelines, 2015. Collection method: clinical testing. Allele origin: germline. Inheritance: Autosomal dominant inheritance. Not counted in ClinVar's aggregate classification.
Comment: The p.Tyr1666X variant in BRCA1 has been reported in at least 3 individuals with BRCA1-associated cancers, and segregated with disease in at least 2 affected relatives from one family (Van Thuan 2020 PMID: 32009791, Le 2022 PMID: 35205313). It was absent from large population studies. This nonsense variant is a result of a duplication of one base pair at position 4997 (c.4997dupA), which creates a premature termination codon at position 1666. This alteration is then predicted to lead to a truncated or absent protein. Heterozygous loss of function of the BRCA1 gene is an established disease mechanism in autosomal dominant hereditary breast and ovarian cancer (HBOC). Additionally, this variant was classified as pathogenic on December 15, 2017 by the ClinGen-approved ENIGMA expert panel (Variation ID 231083). In summary, this variant meets criteria to be classified as pathogenic for autosomal dominant HBOC. ACMG/AMP Criteria applied: PM2_Supporting, PVS1, PS4_Supporting.

GeneDx
Classification: Pathogenic. Last evaluated: 2016-06-09. Review status: criteria provided, single submitter. Criteria: GeneDx Variant Classification (06012015). Collection method: clinical testing. Allele origin: germline. Affected: yes. Not counted in ClinVar's aggregate classification.
Comment: This pathogenic variant is denoted BRCA1 c.4997dupA at the cDNA level and p.Tyr1666Ter (Y1666X) at the protein level. Using alternate nomenclature this variant would be defined as BRCA1 5116dupA. The substitution creates a nonsense variant, which changes a Tyrosine to a premature stop codon (TAC>TAA), and is predicted to cause loss of normal protein function through either protein truncation or nonsense-mediated mRNA decay. Although this variant has not, to our knowledge, been reported in the literature, the adjacent variant BRCA1 c.4998C>A, which also results in a premature stop codon at this residue (p.Tyr1666Ter), has been reported in an individual with breast cancer (Lecarpentier 2012). We therefore consider BRCA1 c.4997dupA to be pathogenic.

Department of Pathology and Laboratory Medicine, Sinai Health System
Classification: Pathogenic for Breast-ovarian cancer, familial, susceptibility to, 1. Review status: no assertion criteria provided. Collection method: clinical testing. Allele origin: unknown. Affected: yes. Observed: 2 variant alleles. Study: The Canadian Open Genetics Repository (COGR). Not counted in ClinVar's aggregate classification.
Comment: The p.Tyr1666X variant has not been previously identified in the literature. This variant is predicted to cause a frameshift, which alters the protein's amino acid sequence leading to a premature stop codon at codon 1666 of BRCA1. This alteration is predicted to lead to a truncated or absent protein and loss of function. Loss of function of the BRCA1 gene is an established disease mechanism in hereditary breast cancer patients. In summary, based on the above information, this variant is classified as pathogenic.

Literature cited by the submitters: PubMed 20104584 (cited by Labcorp Genetics (formerly Invitae), Labcorp); PubMed 35070997 (cited by Women's Health and Genetics/Laboratory Corporation of America, LabCorp and Laboratory for Molecular Medicine, Mass General Brigham Personalized Medicine); PubMed 32009791 (cited by Laboratory for Molecular Medicine, Mass General Brigham Personalized Medicine); PubMed 35205313 (cited by Laboratory for Molecular Medicine, Mass General Brigham Personalized Medicine).

NM_007294.4(BRCA1):c.4997dup (p.Tyr1666Ter)

Gene: BRCA1 (BRCA1 DNA repair associated; minus strand). Cytogenetic location: 17q21.31.
Variant type: Duplication.
Coding change: c.4997dup on transcript NM_007294.4 (MANE Select); coding-DNA position 4997, one base duplicated (A; older notation c.4997dupA).
Protein change: p.Tyr1666Ter; replaces tyrosine 1666 with a stop codon.
Molecular consequence: nonsense. On other transcripts: frameshift variant (365), non-coding transcript variant (1).
Genome position (GRCh38, 1-based): chr17:43,067,685, T duplicated on the plus strand (A on the coding strand, the reverse complement: BRCA1 is on the minus strand). VCF-style (leftmost placement, unchanged base first): chr17-43067684-G-GT. GRCh37 (hg19) VCF-style: chr17-41219701-G-GT.
Other names: p.Y1666X:TAC>TAA; c.4997dupA (NM_007294.3); c.4784dup, p.Tyr1595Terfs (NM_001407571.1, NM_001407894.1, NM_001407895.1 and 12 more transcripts); c.5063dup, p.Tyr1688Terfs (NM_001407581.1, NM_001407582.1); c.5060dup, p.Tyr1687Terfs (NM_001407583.1, NM_001407585.1, NM_001407587.1); c.5057dup, p.Tyr1686Terfs (NM_001407590.1, NM_001407591.1); c.4997dup, p.Tyr1666Terfs (NM_001407593.1, NM_001407594.1, NM_001407596.1 and 8 more transcripts); c.4994dup, p.Tyr1665Terfs (NM_001407610.1, NM_001407611.1, NM_001407612.1 and 17 more transcripts); and 75 more; short protein forms Y1687*, Y1619*, Y1666*, Y562*.
Identifiers: ClinVar variation 231083 (VCV000231083.22), dbSNP rs876658947, ClinGen allele CA10580503.